The following is an entry in ClinVar:

ClinVar aggregate classification (germline): Uncertain significance. Review status: criteria provided, multiple submitters, no conflicts (2 of 4 stars). 2 submissions from 2 submitters: Uncertain significance (2). Last evaluated 2025-08-01.

Conditions:
Inborn genetic diseases. Identifiers: MedGen C0950123, MeSH D030342.

Allele frequency attached by ClinVar (database versions not stated): 1000 Genomes Project 0.00100; ESP Exome Variant Server 0.00016; TOPMed 0.00022; 1000 Genomes Project 30x 0.00078; gnomAD exomes 0.00002; ExAC 0.00008; gnomAD 0.00026.
gnomAD v4.1: 67 of 1,613,818 alleles (0.0042%); highest among the groups gnomAD compares: African/African-American, 0.077%; no homozygotes.

Submissions (2):

Ambry Genetics
Classification: Uncertain significance for Inborn genetic diseases. Last evaluated: 2025-08-01. Review status: criteria provided, single submitter. Criteria: Ambry Variant Classification Scheme 2023. Collection method: clinical testing. Allele origin: germline.

Labcorp Genetics (formerly Invitae), Labcorp
Classification: Uncertain significance. Last evaluated: 2022-04-01. Review status: criteria provided, single submitter. Criteria: Invitae Variant Classification Sherloc (09022015). Collection method: clinical testing. Allele origin: germline.
Comment: This sequence change replaces glycine, which is neutral and non-polar, with serine, which is neutral and polar, at codon 893 of the TRAK1 protein (p.Gly893Ser). This variant is present in population databases (rs367607651, gnomAD 0.08%). This variant has not been reported in the literature in individuals affected with TRAK1-related conditions. Algorithms developed to predict the effect of missense changes on protein structure and function output the following: SIFT: "Deleterious"; PolyPhen-2: "Benign"; Align-GVGD: "Class C0". The serine amino acid residue is found in multiple mammalian species, which suggests that this missense change does not adversely affect protein function. In summary, the available evidence is currently insufficient to determine the role of this variant in disease. Therefore, it has been classified as a Variant of Uncertain Significance.

NM_001042646.3(TRAK1):c.2677G>A (p.Gly893Ser)

Gene: TRAK1 (trafficking kinesin protein 1; plus strand). Cytogenetic location: 3p22.1.
Variant type: single nucleotide variant.
Coding change: c.2677G>A on transcript NM_001042646.3 (MANE Select); coding-DNA position 2677, G replaced by A.
Protein change: p.Gly893Ser; replaces glycine 893 with serine.
Molecular consequence: missense variant. On other transcripts: 3 prime UTR variant (1), non-coding transcript variant (1).
Genome position (GRCh38, 1-based): chr3:42,223,552, G>A. VCF-style: chr3-42223552-G-A. GRCh37 (hg19) VCF-style: chr3-42265044-G-A.
Other names: c.2302G>A, p.Gly768Ser (NM_001349245.1); c.2614G>A, p.Gly872Ser (NM_001349246.2); c.*631G>A (NM_001349247.2); c.2392G>A, p.Gly798Ser (NM_001349248.1); c.2455G>A, p.Gly819Ser (NM_001349249.1); c.2503G>A, p.Gly835Ser (NM_001410741.1); c.2677G>A (NM_001042646.1); short protein forms G768S, G819S, G798S, G835S, G872S, G893S.
Identifiers: ClinVar variation 2073248 (VCV002073248.5), dbSNP rs367607651, ClinGen allele CA2333912.